The following is an entry in ClinVar:

ClinVar aggregate classification (germline): Likely benign. Review status: criteria provided, multiple submitters, no conflicts (2 of 4 stars). 3 submissions from 3 submitters: Likely benign (3). Last evaluated 2025-09-05.

Conditions:
COL9A1-related disorder. Also called: COL9A1-related condition; COL9A1-related disorders.

Allele frequency attached by ClinVar (database versions not stated): gnomAD exomes 0.00003 and 0.00005; ExAC 0.00004; gnomAD 0.00029 and 0.00031; ESP Exome Variant Server 0.00031; TOPMed 0.00034; 1000 Genomes Project 0.00040; 1000 Genomes Project 30x 0.00047.
gnomAD v4.1: 92 of 1,613,540 alleles (0.0057%); highest among the groups gnomAD compares: African/African-American, 0.12%; no homozygotes.

Submissions (3):

Labcorp Genetics (formerly Invitae), Labcorp
Classification: Likely benign. Last evaluated: 2025-09-05. Review status: criteria provided, single submitter. Criteria: Invitae Variant Classification Sherloc (09022015). Collection method: clinical testing. Allele origin: germline.

PreventionGenetics, part of Exact Sciences
Classification: Likely benign for COL9A1-related condition. Last evaluated: 2025-08-28. Review status: criteria provided, single submitter. Criteria: ACMG Guidelines, 2015. Collection method: clinical testing. Allele origin: germline.
Comment: This variant is classified as likely benign based on ACMG/AMP sequence variant interpretation guidelines (Richards et al. 2015 PMID: 25741868, with internal and published modifications).

Blueprint Genetics
Classification: Likely benign. Last evaluated: 2024-06-05. Review status: criteria provided, single submitter. Criteria: ACMG Guidelines, 2015. Collection method: clinical testing. Allele origin: germline.

NM_001851.6(COL9A1):c.1090-6C>T

Gene: COL9A1 (collagen type IX alpha 1 chain; minus strand). Cytogenetic location: 6q13.
Variant type: single nucleotide variant.
Coding change: c.1090-6C>T on transcript NM_001851.6 (MANE Select); 6 bases into the intron before coding-DNA position 1090, C replaced by T.
Molecular consequence: intron variant.
Genome position (GRCh38, 1-based): chr6:70,271,714, G>A on the plus strand (C>T on the coding strand, the complement: COL9A1 is on the minus strand). VCF-style: chr6-70271714-G-A. GRCh37 (hg19) VCF-style: chr6-70981417-G-A.
Other names: c.361-6C>T (NM_001377290.1, NM_078485.4, NM_001377289.1); c.1090-6C>T (NM_001851.4).
Identifiers: ClinVar variation 1123390 (VCV001123390.11), dbSNP rs369198071, ClinGen allele CA3882409.